The following is an entry in ClinVar:

NM_015100.4(POGZ):c.859G>A (p.Ala287Thr)

Gene: POGZ (pogo transposable element derived with ZNF domain; minus strand). Cytogenetic location: 1q21.3.
Variant type: single nucleotide variant.
Coding change: c.859G>A on transcript NM_015100.4 (MANE Select); coding-DNA position 859, G replaced by A.
Protein change: p.Ala287Thr; replaces alanine 287 with threonine.
Molecular consequence: missense variant.
Genome position (GRCh38, 1-based): chr1:151,428,123, C>T on the plus strand (G>A on the coding strand, the complement: POGZ is on the minus strand). VCF-style: chr1-151428123-C-T. GRCh37 (hg19) VCF-style: chr1-151400599-C-T.
Other names: c.859G>A, p.Val287Met (NM_001194937.2); c.700G>A, p.Val234Met (NM_001194938.2); c.880G>A, p.Ala294Thr (NM_001410860.1); c.574G>A, p.Ala192Thr (NM_145796.4); c.700G>A, p.Ala234Thr (NM_207171.2); short protein forms A192T, A234T, A287T, A294T, V234M, V287M.
Identifiers: ClinVar variation 3765915 (VCV003765915.1).

ClinVar aggregate classification (germline): Uncertain significance (1 of 4 stars; one submission).

Submission:

GeneDx
Classification: Uncertain significance. Last evaluated: 2024-08-30. Review status: criteria provided, single submitter. Criteria: GeneDx Variant Classification Process June 2021. Collection method: clinical testing. Allele origin: germline. Affected: yes.
Comment: Not observed at significant frequency in large population cohorts (gnomAD); In silico analysis indicates that this missense variant does not alter protein structure/function; Has not been previously published as pathogenic or benign to our knowledge